The following is an entry in ClinVar:

NM_152383.5(DIS3L2):c.1744G>T (p.Val582Leu)

Gene: DIS3L2 (DIS3 like 3'-5' exoribonuclease 2; plus strand). Cytogenetic location: 2q37.1.
Variant type: single nucleotide variant.
Coding change: c.1744G>T on transcript NM_152383.5 (MANE Select); coding-DNA position 1744, G replaced by T.
Protein change: p.Val582Leu; replaces valine 582 with leucine.
Molecular consequence: missense variant. On other transcripts: intron variant (1).
Genome position (GRCh38, 1-based): chr2:232,329,817, G>T. VCF-style: chr2-232329817-G-T. GRCh37 (hg19) VCF-style: chr2-233194527-G-T.
Other names: c.1582-13528G>T (NM_001257281.2); short protein forms V582L.
Identifiers: ClinVar variation 2804853 (VCV002804853.3), dbSNP rs1695681070, ClinGen allele CA350975922.
Genomic context (GRCh38, chr2:232,329,817, plus strand): 5'-CTGCGCACCTGTCCCCAAACCCCAGCGGTCCCTCCCATCCCACCCACCCTCTGCAGGCTC[G>T]TGGAGGAGTTCATGCTCTTGGCCAACATGGCAGTGGCCCACAAGATCCACCGCGCCTTCC-3'
Protein context (NP_689596.4, residues 572-592): IYEYRESNKL[Val582Leu]EEFMLLANMA

ClinVar aggregate classification (germline): Uncertain significance (1 of 4 stars; one submission).

Conditions:
Perlman syndrome (PRLMNS). Identifiers: Orphanet 2849, MedGen C0796113, MONDO:0009965, OMIM 267000.

gnomAD v4.1: 1 of 904,678 alleles (0.00011%); highest among the groups gnomAD compares: South Asian, 0.0016%; no homozygotes.

Submission:

Labcorp Genetics (formerly Invitae), Labcorp
Classification: Uncertain significance for Perlman syndrome. Last evaluated: 2023-06-23. Review status: criteria provided, single submitter. Criteria: Invitae Variant Classification Sherloc (09022015). Collection method: clinical testing. Allele origin: germline.
Comment: Advanced modeling of protein sequence and biophysical properties (such as structural, functional, and spatial information, amino acid conservation, physicochemical variation, residue mobility, and thermodynamic stability) performed at Invitae indicates that this missense variant is not expected to disrupt DIS3L2 protein function. In summary, the available evidence is currently insufficient to determine the role of this variant in disease. Therefore, it has been classified as a Variant of Uncertain Significance. This variant has not been reported in the literature in individuals affected with DIS3L2-related conditions. This variant is not present in population databases (gnomAD no frequency). This sequence change replaces valine, which is neutral and non-polar, with leucine, which is neutral and non-polar, at codon 582 of the DIS3L2 protein (p.Val582Leu).